The following is an entry in ClinVar:

ClinVar aggregate classification (germline): Uncertain significance. Review status: criteria provided, multiple submitters, no conflicts (2 of 4 stars). 2 submissions from 2 submitters: Uncertain significance (2). Last evaluated 2025-09-16.

Conditions:
Tuberous sclerosis 1 (TSC1). Identifiers: Orphanet 805, MedGen C1854465, MONDO:0008612, OMIM 191100.

Submissions (2):

Labcorp Genetics (formerly Invitae), Labcorp
Classification: Uncertain significance for Tuberous sclerosis 1. Last evaluated: 2025-09-16. Review status: criteria provided, single submitter. Criteria: Invitae Variant Classification Sherloc (09022015). Collection method: clinical testing. Allele origin: germline.
Comment: This sequence change replaces serine, which is neutral and polar, with tryptophan, which is neutral and slightly polar, at codon 334 of the TSC1 protein (p.Ser334Trp). This variant is not present in population databases (gnomAD no frequency). This variant has not been reported in the literature in individuals affected with TSC1-related conditions. ClinVar contains an entry for this variant (Variation ID: 1380007). Invitae Evidence Modeling of protein sequence and biophysical properties (such as structural, functional, and spatial information, amino acid conservation, physicochemical variation, residue mobility, and thermodynamic stability) indicates that this missense variant is not expected to disrupt TSC1 protein function with a negative predictive value of 95%. In summary, the available evidence is currently insufficient to determine the role of this variant in disease. Therefore, it has been classified as a Variant of Uncertain Significance.

GeneDx
Classification: Uncertain significance. Last evaluated: 2025-06-16. Review status: criteria provided, single submitter. Criteria: GeneDx Variant Classification Process June 2021. Collection method: clinical testing. Allele origin: germline. Affected: yes.
Comment: Not observed at significant frequency in large population cohorts (gnomAD); In silico analysis supports that this missense variant has a deleterious effect on protein structure/function; Has not been previously published as pathogenic or benign to our knowledge; This variant is associated with the following publications: (PMID: 18466115)

NM_000368.5(TSC1):c.1001C>G (p.Ser334Trp)

Gene: TSC1 (TSC complex subunit 1; minus strand). Cytogenetic location: 9q34.13.
Variant type: single nucleotide variant.
Coding change: c.1001C>G on transcript NM_000368.5 (MANE Select); coding-DNA position 1001, C replaced by G.
Protein change: p.Ser334Trp; replaces serine 334 with tryptophan.
Molecular consequence: missense variant.
Genome position (GRCh38, 1-based): chr9:132,911,481, G>C on the plus strand (C>G on the coding strand, the complement: TSC1 is on the minus strand). VCF-style: chr9-132911481-G-C. GRCh37 (hg19) VCF-style: chr9-135786868-G-C.
Other names: c.1001C>G, p.Ser334Trp (NM_001162426.2); c.848C>G, p.Ser283Trp (NM_001162427.2); c.638C>G, p.Ser213Trp (NM_001362177.2); c.1001C>G (NM_000368.4); short protein forms S213W, S283W, S334W.
Identifiers: ClinVar variation 1380007 (VCV001380007.9), dbSNP rs118203481, ClinGen allele CA375368543.